The following is an entry in ClinVar:

NM_182914.3(SYNE2):c.11022+4A>G

Gene: SYNE2 (spectrin repeat containing nuclear envelope protein 2; plus strand). Cytogenetic location: 14q23.2.
Variant type: single nucleotide variant.
Coding change: c.11022+4A>G on transcript NM_182914.3 (MANE Select); 4 bases into the intron after coding-DNA position 11022, A replaced by G.
Molecular consequence: intron variant.
Genome position (GRCh38, 1-based): chr14:64,076,104, A>G. VCF-style: chr14-64076104-A-G. GRCh37 (hg19) VCF-style: chr14-64542822-A-G.
Other names: c.11022+4A>G (NM_015180.6).
Identifiers: ClinVar variation 3647717 (VCV003647717.2).

ClinVar aggregate classification (germline): Uncertain significance (1 of 4 stars; one submission).

Conditions:
Emery-Dreifuss muscular dystrophy 5, autosomal dominant (EDMD5). Also called: EMERY-DREIFUSS MUSCULAR DYSTROPHY 5. Identifiers: Orphanet 261, MedGen C2751805, MONDO:0013072, OMIM 612999.

gnomAD v4.1: 5 of 1,613,046 alleles (0.00031%); highest among the groups gnomAD compares: East Asian, 0.0022%; no homozygotes.

Submission:

Labcorp Genetics (formerly Invitae), Labcorp
Classification: Uncertain significance for Emery-Dreifuss muscular dystrophy 5, autosomal dominant. Last evaluated: 2024-03-26. Review status: criteria provided, single submitter. Criteria: Invitae Variant Classification Sherloc (09022015). Collection method: clinical testing. Allele origin: germline.
Comment: This sequence change falls in intron 54 of the SYNE2 gene. It does not directly change the encoded amino acid sequence of the SYNE2 protein. It affects a nucleotide within the consensus splice site. This variant is present in population databases (rs758671958, gnomAD 0.006%). This variant has not been reported in the literature in individuals affected with SYNE2-related conditions. Variants that disrupt the consensus splice site are a relatively common cause of aberrant splicing (PMID: 17576681, 9536098). Algorithms developed to predict the effect of sequence changes on RNA splicing suggest that this variant is not likely to affect RNA splicing. In summary, the available evidence is currently insufficient to determine the role of this variant in disease. Therefore, it has been classified as a Variant of Uncertain Significance.

Literature cited by the submitters: PubMed 17576681; PubMed 9536098.